The following is an entry in ClinVar:

ClinVar aggregate classification (germline): Uncertain significance (1 of 4 stars; one submission).

gnomAD v4.1: 1 of 954,740 alleles (0.0001%); highest among the groups gnomAD compares: Non-Finnish European, 0.00014%; no homozygotes.

Submission:

GeneDx
Classification: Uncertain significance. Last evaluated: 2025-07-17. Review status: criteria provided, single submitter. Criteria: GeneDx Variant Classification Process June 2021. Collection method: clinical testing. Allele origin: germline. Affected: yes.
Comment: Not observed at significant frequency in large population cohorts (gnomAD); Frameshift variant predicted to result in protein truncation or nonsense mediated decay in a gene or region of a gene for which loss of function is not a well-established mechanism of disease; Has not been previously published as pathogenic or benign to our knowledge; Reported using an alternate transcript of the gene

NM_001244008.2(KIF1A):c.2749G>T (p.Glu917Ter)

Gene: KIF1A (kinesin family member 1A; minus strand). Cytogenetic location: 2q37.3.
Variant type: single nucleotide variant.
Coding change: c.2749G>T on transcript NM_001244008.2 (MANE Select); coding-DNA position 2749, G replaced by T.
Protein change: p.Glu917Ter; replaces glutamic acid 917 with a stop codon.
Molecular consequence: nonsense. On other transcripts: intron variant (18).
Genome position (GRCh38, 1-based): chr2:240,757,428, C>A on the plus strand (G>T on the coding strand, the complement: KIF1A is on the minus strand). VCF-style: chr2-240757428-C-A. GRCh37 (hg19) VCF-style: chr2-241696845-C-A.
Other names: c.2824G>T, p.Glu942Ter (NM_001379631.1); c.2698G>T, p.Glu900Ter (NM_001379632.1); c.2722G>T, p.Glu908Ter (NM_001379633.1, NM_001379642.1, NM_001379645.1); c.2555+932G>T (NM_001379653.1, NM_001379650.1, NM_001379640.1 and 6 more transcripts); c.2657+932G>T (NM_001379635.1, NM_001330290.2, NM_001379646.1 and 1 more transcripts); c.2630+932G>T (NM_001379637.1, NM_001379648.1); c.2582+932G>T (NM_001320705.2, NM_001379638.1, NM_001330289.2); short protein forms E900*, E908*, E917*, E942*.
Identifiers: ClinVar variation 4686277 (VCV004686277.1).